The following is an entry in ClinVar:

NM_025137.4(SPG11):c.5211T>A (p.Asn1737Lys)

Gene: SPG11 (SPG11 vesicle trafficking associated, spatacsin; minus strand). Cytogenetic location: 15q21.1.
Variant type: single nucleotide variant.
Coding change: c.5211T>A on transcript NM_025137.4 (MANE Select); coding-DNA position 5211, T replaced by A.
Protein change: p.Asn1737Lys; replaces asparagine 1737 with lysine.
Molecular consequence: missense variant.
Genome position (GRCh38, 1-based): chr15:44,584,469, A>T on the plus strand (T>A on the coding strand, the complement: SPG11 is on the minus strand). VCF-style: chr15-44584469-A-T. GRCh37 (hg19) VCF-style: chr15-44876667-A-T.
Other names: c.5211T>A, p.Asn1737Lys (NM_001160227.2); short protein forms N1737K.
Identifiers: ClinVar variation 406516 (VCV000406516.10), dbSNP rs1024346199, ClinGen allele CA16614613.

ClinVar aggregate classification (germline): Uncertain significance. Review status: criteria provided, multiple submitters, no conflicts (2 of 4 stars). 3 submissions from 3 submitters: Uncertain significance (3). Last evaluated 2025-06-29.

Conditions:
Inborn genetic diseases. Identifiers: MedGen C0950123, MeSH D030342.
Hereditary spastic paraplegia 11. Also called: Spastic Paraplegia 11; Spastic paraplegia, mental retardation and thin corpus callosum; Nakamura Osame syndrome; Autosomal recessive hereditary spastic paraplegia, mental impairment, and thin corpus callosum; SPASTIC PARAPLEGIA, AUTOSOMAL RECESSIVE, COMPLICATED, WITH THIN CORPUS CALLOSUM; SPASTIC PARAPLEGIA, AUTOSOMAL RECESSIVE, WITH MENTAL IMPAIRMENT AND THIN CORPUS CALLOSUM. Identifiers: Orphanet 2822, MedGen C1858479, MONDO:0011445, OMIM 604360.

Allele frequency attached by ClinVar (database versions not stated): TOPMed below 0.00001.

Submissions (3):

Ambry Genetics
Classification: Uncertain significance for Inborn genetic diseases. Last evaluated: 2025-06-29. Review status: criteria provided, single submitter. Criteria: Ambry Variant Classification Scheme 2023. Collection method: clinical testing. Allele origin: germline.

GeneDx
Classification: Uncertain significance. Last evaluated: 2023-06-23. Review status: criteria provided, single submitter. Criteria: GeneDx Variant Classification Process June 2021. Collection method: clinical testing. Allele origin: germline. Affected: yes.
Comment: Not observed at significant frequency in large population cohorts (gnomAD); In silico analysis supports that this missense variant does not alter protein structure/function; Has not been previously published as pathogenic or benign to our knowledge

Labcorp Genetics (formerly Invitae), Labcorp
Classification: Uncertain significance for Hereditary spastic paraplegia 11. Last evaluated: 2022-06-20. Review status: criteria provided, single submitter. Criteria: Invitae Variant Classification Sherloc (09022015). Collection method: clinical testing. Allele origin: germline.
Comment: This sequence change replaces asparagine, which is neutral and polar, with lysine, which is basic and polar, at codon 1737 of the SPG11 protein (p.Asn1737Lys). This variant is not present in population databases (gnomAD no frequency). This variant has not been reported in the literature in individuals affected with SPG11-related conditions. ClinVar contains an entry for this variant (Variation ID: 406516). Algorithms developed to predict the effect of missense changes on protein structure and function are either unavailable or do not agree on the potential impact of this missense change (SIFT: "Tolerated"; PolyPhen-2: "Possibly Damaging"; Align-GVGD: "Class C0"). In summary, the available evidence is currently insufficient to determine the role of this variant in disease. Therefore, it has been classified as a Variant of Uncertain Significance.